The following is an entry in ClinVar:

ClinVar aggregate classification (germline): Uncertain significance (1 of 4 stars; one submission).

Conditions:
Gastrointestinal stromal tumor. Also called: Gastrointestinal stroma tumor; Gastrointestinal stromal tumor, somatic. Identifiers: Orphanet 44890, MedGen C0238198, MeSH D046152, MONDO:0011719, OMIM 606764, HP:0100723.
Pheochromocytoma/paraganglioma syndrome 4. Also called: CAROTID BODY TUMORS AND MULTIPLE EXTRAADRENAL PHEOCHROMOCYTOMAS; SDHB-Related Hereditary Paraganglioma-Pheochromocytoma Syndrome; PARAGANGLIOMA, FAMILIAL MALIGNANT; PARAGANGLIOMAS, HEREDITARY EXTRAADRENAL; PHEOCHROMOCYTOMA, FAMILIAL EXTRAADRENAL; Paragangliomas 4. Identifiers: Orphanet 29072, MedGen C1861848, MONDO:0007273, OMIM 115310.
Pheochromocytoma. Also called: MAX-Related Hereditary Paraganglioma-Pheochromocytoma Syndrome. Identifiers: Orphanet 29072, MedGen C0031511, MONDO:0008233, OMIM 171300, HP:0002666.

Submission:

Labcorp Genetics (formerly Invitae), Labcorp
Classification: Uncertain significance for Gastrointestinal stromal tumor; Pheochromocytoma/paraganglioma syndrome 4; Pheochromocytoma. Last evaluated: 2021-10-04. Review status: criteria provided, single submitter. Criteria: Invitae Variant Classification Sherloc (09022015). Collection method: clinical testing. Allele origin: germline.
Comment: In summary, the available evidence is currently insufficient to determine the role of this variant in disease. Therefore, it has been classified as a Variant of Uncertain Significance. Advanced modeling of protein sequence and biophysical properties (such as structural, functional, and spatial information, amino acid conservation, physicochemical variation, residue mobility, and thermodynamic stability) performed at Invitae indicates that this missense variant is not expected to disrupt SDHB protein function. This variant has not been reported in the literature in individuals affected with SDHB-related conditions. This variant is not present in population databases (ExAC no frequency). This sequence change replaces alanine with proline at codon 32 of the SDHB protein (p.Ala32Pro). The alanine residue is highly conserved and there is a small physicochemical difference between alanine and proline.

NM_003000.3(SDHB):c.94G>C (p.Ala32Pro)

Gene: SDHB (succinate dehydrogenase complex iron sulfur subunit B; minus strand). Cytogenetic location: 1p36.13.
Variant type: single nucleotide variant.
Coding change: c.94G>C on transcript NM_003000.3 (MANE Select); coding-DNA position 94, G replaced by C.
Protein change: p.Ala32Pro; replaces alanine 32 with proline.
Molecular consequence: missense variant.
Genome position (GRCh38, 1-based): chr1:17,044,867, C>G on the plus strand (G>C on the coding strand, the complement: SDHB is on the minus strand). VCF-style: chr1-17044867-C-G. GRCh37 (hg19) VCF-style: chr1-17371362-C-G.
Other names: short protein forms A32P.
Identifiers: ClinVar variation 1473935 (VCV001473935.6), dbSNP rs1570958136, ClinGen allele CA338228347.